The following is an entry in ClinVar:

ClinVar aggregate classification (germline): Conflicting classifications of pathogenicity. Review status: criteria provided, conflicting classifications (1 of 4 stars). 3 submissions from 3 submitters: Uncertain significance (1); Likely benign (1). 1 of the submissions does not count toward it. Last evaluated 2023-07-17.

Conditions:
Inborn genetic diseases. Identifiers: MedGen C0950123, MeSH D030342.
SRCAP-related disorder. Also called: SRCAP-related condition.

Allele frequency attached by ClinVar (database versions not stated): ExAC 0.00006; gnomAD exomes 0.00006; ESP Exome Variant Server 0.00008; gnomAD 0.00008; TOPMed 0.00013.
gnomAD v4.1: 51 of 1,613,912 alleles (0.0032%); highest among the groups gnomAD compares: African/African-American, 0.02%; no homozygotes.

Submissions (3):

Labcorp Genetics (formerly Invitae), Labcorp
Classification: Uncertain significance. Last evaluated: 2023-07-17. Review status: criteria provided, single submitter. Criteria: Invitae Variant Classification Sherloc (09022015). Collection method: clinical testing. Allele origin: germline.
Comment: In summary, the available evidence is currently insufficient to determine the role of this variant in disease. Therefore, it has been classified as a Variant of Uncertain Significance. Advanced modeling of protein sequence and biophysical properties (such as structural, functional, and spatial information, amino acid conservation, physicochemical variation, residue mobility, and thermodynamic stability) performed at Invitae indicates that this missense variant is not expected to disrupt SRCAP protein function. ClinVar contains an entry for this variant (Variation ID: 1509770). This variant has not been reported in the literature in individuals affected with SRCAP-related conditions. This variant is present in population databases (rs144253022, gnomAD 0.05%), and has an allele count higher than expected for a pathogenic variant. This sequence change replaces threonine, which is neutral and polar, with methionine, which is neutral and non-polar, at codon 2047 of the SRCAP protein (p.Thr2047Met).

Ambry Genetics
Classification: Likely benign for Inborn genetic diseases. Last evaluated: 2022-09-14. Review status: criteria provided, single submitter. Criteria: Ambry Variant Classification Scheme 2023. Collection method: clinical testing. Allele origin: germline.

PreventionGenetics, part of Exact Sciences
Classification: Likely benign for SRCAP-related condition. Last evaluated: 2022-05-17. Review status: no assertion criteria provided. Collection method: clinical testing. Allele origin: germline. Not counted in ClinVar's aggregate classification.
Comment: This variant is classified as likely benign based on ACMG/AMP sequence variant interpretation guidelines (Richards et al. 2015 PMID: 25741868, with internal and published modifications).

NM_006662.3(SRCAP):c.6140C>T (p.Thr2047Met)

Gene: SRCAP (Snf2 related CREBBP activator protein; plus strand). Cytogenetic location: 16p11.2.
Variant type: single nucleotide variant.
Coding change: c.6140C>T on transcript NM_006662.3 (MANE Select); coding-DNA position 6140, C replaced by T.
Protein change: p.Thr2047Met; replaces threonine 2047 with methionine.
Molecular consequence: missense variant.
Genome position (GRCh38, 1-based): chr16:30,733,292, C>T. VCF-style: chr16-30733292-C-T. GRCh37 (hg19) VCF-style: chr16-30744613-C-T.
Other names: c.6140C>T (NM_006662.2); short protein forms T2047M.
Identifiers: ClinVar variation 1509770 (VCV001509770.8), dbSNP rs144253022, ClinGen allele CA8012174.